The following is an entry in ClinVar:

ClinVar aggregate classification (germline): Uncertain significance (1 of 4 stars; one submission).

Conditions:
Cardiovascular phenotype. Identifiers: MedGen CN230736.

Submission:

Ambry Genetics
Classification: Uncertain significance for Cardiovascular phenotype. Last evaluated: 2026-07-07. Review status: criteria provided, single submitter. Criteria: Ambry Variant Classification Scheme 2023. Collection method: clinical testing. Allele origin: germline.
Comment: The p.K209N variant (also known as c.627G>T), located in coding exon 8 of the TRDN gene, results from a G to T substitution at nucleotide position 627. The lysine at codon 209 is replaced by asparagine, an amino acid with similar properties. This amino acid position is conserved. In addition, this alteration is predicted to be tolerated by in silico analysis. Based on the available evidence, the clinical significance of this variant remains unclear.

NM_006073.4(TRDN):c.627G>T (p.Lys209Asn)

Gene: TRDN (triadin; minus strand). Cytogenetic location: 6q22.31.
Variant type: single nucleotide variant.
Coding change: c.627G>T on transcript NM_006073.4 (MANE Select); coding-DNA position 627, G replaced by T.
Protein change: p.Lys209Asn; replaces lysine 209 with asparagine.
Molecular consequence: missense variant.
Genome position (GRCh38, 1-based): chr6:123,503,885, C>A on the plus strand (G>T on the coding strand, the complement: TRDN is on the minus strand). VCF-style: chr6-123503885-C-A. GRCh37 (hg19) VCF-style: chr6-123825030-C-A.
Other names: c.627G>T, p.Lys209Asn (NM_001251987.2, NM_001256020.2, NM_001256021.2 and 1 more transcripts); short protein forms K209N.
Identifiers: ClinVar variation 5031098 (VCV005031098.1).